The following is an entry in ClinVar:

ClinVar aggregate classification (germline): Uncertain significance (1 of 4 stars; one submission).

Submission:

GeneDx
Classification: Uncertain significance. Last evaluated: 2026-02-03. Review status: criteria provided, single submitter. Criteria: GeneDx Variant Classification Process June 2021. Collection method: clinical testing. Allele origin: germline.
Comment: Not observed at significant frequency in large population cohorts (gnomAD); In silico analysis supports that this missense variant has a deleterious effect on protein structure/function; Has not been previously published as pathogenic or benign to our knowledge

NM_012308.3(KDM2A):c.2744G>C (p.Arg915Pro)

Gene: KDM2A (lysine demethylase 2A; plus strand). Cytogenetic location: 11q13.2.
Variant type: single nucleotide variant.
Coding change: c.2744G>C on transcript NM_012308.3 (MANE Select); coding-DNA position 2744, G replaced by C.
Protein change: p.Arg915Pro; replaces arginine 915 with proline.
Molecular consequence: missense variant.
Genome position (GRCh38, 1-based): chr11:67,250,774, G>C. VCF-style: chr11-67250774-G-C. GRCh37 (hg19) VCF-style: chr11-67018245-G-C.
Other names: c.1427G>C, p.Arg476Pro (NM_001256405.2); short protein forms R476P, R915P.
Identifiers: ClinVar variation 4976147 (VCV004976147.1).